The following is an entry in ClinVar:

ClinVar aggregate classification (germline): Uncertain significance (1 of 4 stars; one submission).

gnomAD v4.1: 1 of 1,614,114 alleles (0.000062%); highest among the groups gnomAD compares: South Asian, 0.0011%; no homozygotes.

Submission:

Labcorp Genetics (formerly Invitae), Labcorp
Classification: Uncertain significance. Last evaluated: 2022-04-12. Review status: criteria provided, single submitter. Criteria: Invitae Variant Classification Sherloc (09022015). Collection method: clinical testing. Allele origin: germline.
Comment: Algorithms developed to predict the effect of missense changes on protein structure and function (SIFT, PolyPhen-2, Align-GVGD) all suggest that this variant is likely to be tolerated. In summary, the available evidence is currently insufficient to determine the role of this variant in disease. Therefore, it has been classified as a Variant of Uncertain Significance. This variant has not been reported in the literature in individuals affected with TNFRSF11A-related conditions. This variant is not present in population databases (gnomAD no frequency). This sequence change replaces glycine, which is neutral and non-polar, with aspartic acid, which is acidic and polar, at codon 72 of the TNFRSF11A protein (p.Gly72Asp).

NM_003839.4(TNFRSF11A):c.215G>A (p.Gly72Asp)

Gene: TNFRSF11A (TNF receptor superfamily member 11a; plus strand). Cytogenetic location: 18q21.33.
Variant type: single nucleotide variant.
Coding change: c.215G>A on transcript NM_003839.4 (MANE Select); coding-DNA position 215, G replaced by A.
Protein change: p.Gly72Asp; replaces glycine 72 with aspartic acid.
Molecular consequence: missense variant.
Genome position (GRCh38, 1-based): chr18:62,349,869, G>A. VCF-style: chr18-62349869-G-A. GRCh37 (hg19) VCF-style: chr18-60017102-G-A.
Other names: c.215G>A, p.Gly72Asp (NM_001270949.2, NM_001270950.2, NM_001270951.2 and 1 more transcripts); short protein forms G72D.
Identifiers: ClinVar variation 2125229 (VCV002125229.4), dbSNP rs1461647305, ClinGen allele CA402610597.
Genomic context (GRCh38, chr18:62,349,869, plus strand): 5'-AAGGAAAGTACATGTCTTCTAAATGCACTACTACCTCTGACAGTGTATGTCTGCCCTGTG[G>A]CCCGGATGAATACTTGGATAGCTGGAATGAAGAAGATAAATGCTTGCTGCATAAAGTTTG-3'
Protein context (NP_003830.1, residues 62-82): TTSDSVCLPC[Gly72Asp]PDEYLDSWNE